The following is an entry in ClinVar:

ClinVar aggregate classification (germline): Uncertain significance. Review status: criteria provided, multiple submitters, no conflicts (2 of 4 stars). 2 submissions from 2 submitters: Uncertain significance (2). Last evaluated 2025-03-22.

Conditions:
Atrial fibrillation, familial, 7 (ATFB7). Identifiers: MedGen C2677106, MONDO:0012828, OMIM 612240.

Allele frequency attached by ClinVar (database versions not stated): gnomAD exomes below 0.00001 and 0.00001; TOPMed below 0.00001; ExAC 0.00001; gnomAD 0.00001.
gnomAD v4.1: 7 of 1,614,004 alleles (0.00043%); highest among the groups gnomAD compares: South Asian, 0.0022%; no homozygotes.

Submissions (2):

Labcorp Genetics (formerly Invitae), Labcorp
Classification: Uncertain significance for Atrial fibrillation, familial, 7. Last evaluated: 2025-03-22. Review status: criteria provided, single submitter. Criteria: Invitae Variant Classification Sherloc (09022015). Collection method: clinical testing. Allele origin: germline.
Comment: This sequence change replaces valine, which is neutral and non-polar, with isoleucine, which is neutral and non-polar, at codon 516 of the KCNA5 protein (p.Val516Ile). This variant is present in population databases (rs776978070, gnomAD 0.003%). This variant has not been reported in the literature in individuals affected with KCNA5-related conditions. ClinVar contains an entry for this variant (Variation ID: 1374392). Invitae Evidence Modeling of protein sequence and biophysical properties (such as structural, functional, and spatial information, amino acid conservation, physicochemical variation, residue mobility, and thermodynamic stability) indicates that this missense variant is expected to disrupt KCNA5 protein function with a positive predictive value of 80%. In summary, the available evidence is currently insufficient to determine the role of this variant in disease. Therefore, it has been classified as a Variant of Uncertain Significance.

Fulgent Genetics
Classification: Uncertain significance for Atrial fibrillation, familial, 7. Last evaluated: 2024-04-03. Review status: criteria provided, single submitter. Criteria: ACMG Guidelines, 2015. Collection method: clinical testing. Allele origin: germline.

NM_002234.4(KCNA5):c.1546G>A (p.Val516Ile)

Gene: KCNA5 (potassium voltage-gated channel subfamily A member 5; plus strand). Cytogenetic location: 12p13.32.
Variant type: single nucleotide variant.
Coding change: c.1546G>A on transcript NM_002234.4 (MANE Select); coding-DNA position 1546, G replaced by A.
Protein change: p.Val516Ile; replaces valine 516 with isoleucine.
Molecular consequence: missense variant.
Genome position (GRCh38, 1-based): chr12:5,045,693, G>A. VCF-style: chr12-5045693-G-A. GRCh37 (hg19) VCF-style: chr12-5154859-G-A.
Other names: short protein forms V516I.
Identifiers: ClinVar variation 1374392 (VCV001374392.9), dbSNP rs776978070, ClinGen allele CA6399892.